The following is an entry in ClinVar:

NM_006642.5(SDCCAG8):c.703_704del (p.Lys235fs)

Gene: SDCCAG8 (SHH signaling and ciliogenesis regulator SDCCAG8; plus strand). Cytogenetic location: 1q43.
Variant type: Deletion.
Coding change: c.703_704del on transcript NM_006642.5 (MANE Select); coding-DNA positions 703 to 704, 2 bases deleted (AA; older notation c.703_704delAA).
Protein change: p.Lys235fs; shifts the reading frame from lysine 235.
Molecular consequence: frameshift variant. On other transcripts: 5 prime UTR variant (3).
Genome position (GRCh38, 1-based): chr1:243,304,740-243,304,741, AA deleted; deleting any 2 consecutive bases within chr1:243,304,738-243,304,741 gives the same sequence; the c. name uses the placement nearest the transcript's 3' end. VCF-style (leftmost placement, unchanged base first): chr1-243304737-GAA-G. GRCh37 (hg19) VCF-style: chr1-243468039-GAA-G.
Other names: c.703_704delAA (NM_006642.3); c.-410_-409del (NM_001350246.2); c.-298_-297del (NM_001350247.2); c.799_800del, p.Lys267fs (NM_001350248.2); c.409_410del, p.Lys137fs (NM_001350249.2); c.-575_-574del (NM_001350251.2); short protein forms K137fs, K235fs, K267fs.
Identifiers: ClinVar variation 3582511 (VCV003582511.2).
Genomic context (GRCh38, chr1:243,304,737, plus strand): 5'-TAGAGAAAAATGTACTTCTATTTTTCTTTTCTATAGGAGAAGCTAAAACTTACTTATGAG[GAA>G]AAGTGTGAAATTGAGGAATCCCAATTGAAGTTTTTGAGGTAAAGTGAAATCGTCCATTTA-3'

ClinVar aggregate classification (germline): Likely pathogenic. Review status: criteria provided, multiple submitters, no conflicts (2 of 4 stars). 2 submissions from 2 submitters: Likely pathogenic (2). Last evaluated 2025-05-21.

Conditions:
Senior-Loken syndrome 7 (SLSN7). Identifiers: Orphanet 3156, MedGen C3150877, MONDO:0013326, OMIM 613615.
Bardet-Biedl syndrome 16 (BBS16). Identifiers: Orphanet 110, MedGen C3889474, MONDO:0014444, OMIM 615993.
SDCCAG8-related disorder. Also called: SDCCAG8-Related Disorders; SDCCAG8-related condition.

Submissions (2):

PreventionGenetics, part of Exact Sciences
Classification: Likely pathogenic for SDCCAG8-related condition. Last evaluated: 2025-05-21. Review status: criteria provided, single submitter. Criteria: ACMG Guidelines, 2015. Collection method: clinical testing. Allele origin: germline.
Comment: The SDCCAG8 c.703_704delAA variant is predicted to result in a frameshift and premature protein termination (p.Lys235Valfs*2). To our knowledge, this variant has not been previously reported in literature in association with disease. This variant has not been reported in a large population database (gnomAD), indicating this variant is rare. Frameshift variants in SDCCAG8 are expected to be pathogenic. This variant is interpreted as likely pathogenic.

Fulgent Genetics
Classification: Likely pathogenic for Senior-Loken syndrome 7; Bardet-Biedl syndrome 16. Last evaluated: 2024-06-04. Review status: criteria provided, single submitter. Criteria: ACMG Guidelines, 2015. Collection method: clinical testing. Allele origin: germline.